The following is an entry in ClinVar:

NM_001429.4(EP300):c.456T>G (p.Gly152=)

Gene: EP300 (EP300 lysine acetyltransferase; plus strand). Cytogenetic location: 22q13.2.
Variant type: single nucleotide variant.
Coding change: c.456T>G on transcript NM_001429.4 (MANE Select); coding-DNA position 456, T replaced by G.
Protein change: p.Gly152=; no amino-acid change (glycine 152 retained).
Molecular consequence: synonymous variant.
Genome position (GRCh38, 1-based): chr22:41,117,548, T>G. VCF-style: chr22-41117548-T-G. GRCh37 (hg19) VCF-style: chr22-41513552-T-G.
Other names: c.456T>G, p.Gly152= (NM_001362843.2).
Identifiers: ClinVar variation 4983547 (VCV004983547.1).

ClinVar aggregate classification (germline): Likely benign (1 of 4 stars; one submission).

Conditions:
EP300-related disorder. Also called: EP300-related condition; EP300-related disorders.

gnomAD v4.1: 3 of 1,614,026 alleles (0.00019%); highest among the groups gnomAD compares: African/African-American, 0.004%; no homozygotes.

Submission:

PreventionGenetics, part of Exact Sciences
Classification: Likely benign for EP300-related condition. Last evaluated: 2025-02-19. Review status: criteria provided, single submitter. Criteria: ACMG Guidelines, 2015. Collection method: clinical testing. Allele origin: germline.
Comment: This variant is classified as likely benign based on ACMG/AMP sequence variant interpretation guidelines (Richards et al. 2015 PMID: 25741868, with internal and published modifications).